The following is an entry in ClinVar:

NM_022552.5(DNMT3A):c.834C>T (p.Gly278=)

Gene: DNMT3A (DNA methyltransferase 3 alpha; minus strand). Cytogenetic location: 2p23.3.
Variant type: single nucleotide variant.
Coding change: c.834C>T on transcript NM_022552.5 (MANE Select); coding-DNA position 834, C replaced by T.
Protein change: p.Gly278=; no amino-acid change (glycine 278 retained).
Molecular consequence: synonymous variant. On other transcripts: non-coding transcript variant (1).
Genome position (GRCh38, 1-based): chr2:25,248,058, G>A on the plus strand (C>T on the coding strand, the complement: DNMT3A is on the minus strand). VCF-style: chr2-25248058-G-A. GRCh37 (hg19) VCF-style: chr2-25470927-G-A.
Other names: c.378C>T, p.Gly126= (NM_001320893.1); c.165C>T, p.Gly55= (NM_001375819.1); c.267C>T, p.Gly89= (NM_153759.3); c.834C>T, p.Gly278= (NM_175629.2).
Identifiers: ClinVar variation 2913470 (VCV002913470.4), dbSNP rs771158367, ClinGen allele CA1556290.

ClinVar aggregate classification (germline): Uncertain significance. Review status: criteria provided, single submitter (1 of 4 stars). 2 submissions from 2 submitters: Uncertain significance (1). 1 of the submissions does not count toward it. Last evaluated 2023-08-14.

Conditions:
Tatton-Brown-Rahman overgrowth syndrome. Also called: Tatton-Brown-Rahman syndrome; Tall stature-intellectual disability-facial dysmorphism syndrome. Identifiers: Orphanet 404443, MedGen C4014545, MONDO:0014382, OMIM 615879.
DNMT3A-related disorder. Also called: DNMT3A-related condition; DNMT3A-related disorders.

Allele frequency attached by ClinVar (database versions not stated): ExAC 0.00001; gnomAD 0.00001; gnomAD exomes 0.00001; TOPMed 0.00001.
gnomAD v4.1: 10 of 1,612,120 alleles (0.00062%); highest among the groups gnomAD compares: South Asian, 0.0011%; no homozygotes.

Submissions (2):

Labcorp Genetics (formerly Invitae), Labcorp
Classification: Uncertain significance for Tatton-Brown-Rahman overgrowth syndrome. Last evaluated: 2023-08-14. Review status: criteria provided, single submitter. Criteria: Invitae Variant Classification Sherloc (09022015). Collection method: clinical testing. Allele origin: germline.
Comment: This sequence change affects codon 278 of the DNMT3A mRNA. It is a 'silent' change, meaning that it does not change the encoded amino acid sequence of the DNMT3A protein. This variant is present in population databases (rs771158367, gnomAD 0.003%). This variant has not been reported in the literature in individuals affected with DNMT3A-related conditions. Algorithms developed to predict the effect of sequence changes on RNA splicing suggest that this variant may create or strengthen a splice site. In summary, the available evidence is currently insufficient to determine the role of this variant in disease. Therefore, it has been classified as a Variant of Uncertain Significance.

PreventionGenetics, part of Exact Sciences
Classification: Uncertain significance for DNMT3A-related condition. Last evaluated: 2024-05-31. Review status: no assertion criteria provided. Collection method: clinical testing. Allele origin: germline. Not counted in ClinVar's aggregate classification.
Comment: The DNMT3A c.834C>T variant is not predicted to result in an amino acid change (p.=). This variant is predicted to impact splicing at the donor splice site using computational modeling; however, this predicted impact was not functionally validated (SpliceAI, Jaganathan et al. 2019. PubMed ID: 30661751). To our knowledge, this variant has not been reported in the literature. This variant is reported in 0.0033% of alleles in individuals of South Asian descent in gnomAD. At this time, the clinical significance of this variant is uncertain due to the absence of conclusive functional and genetic evidence.